The following is an entry in ClinVar:

ClinVar aggregate classification (germline): Uncertain significance (1 of 4 stars; one submission).

Conditions:
Cardiovascular phenotype. Identifiers: MedGen CN230736.

Submission:

Ambry Genetics
Classification: Uncertain significance for Cardiovascular phenotype. Last evaluated: 2024-06-09. Review status: criteria provided, single submitter. Criteria: Ambry Variant Classification Scheme 2023. Collection method: clinical testing. Allele origin: germline.
Comment: The p.C1220F variant (also known as c.3659G>T), located in coding exon 11 of the AKAP9 gene, results from a G to T substitution at nucleotide position 3659. The cysteine at codon 1220 is replaced by phenylalanine, an amino acid with highly dissimilar properties. This amino acid position is conserved. In addition, this alteration is predicted to be tolerated by in silico analysis. Based on the available evidence, the clinical significance of this variant remains unclear.

NM_005751.5(AKAP9):c.3659G>T (p.Cys1220Phe)

Gene: AKAP9 (A-kinase anchoring protein 9; plus strand). Cytogenetic location: 7q21.2.
Variant type: single nucleotide variant.
Coding change: c.3659G>T on transcript NM_005751.5 (MANE Select); coding-DNA position 3659, G replaced by T.
Protein change: p.Cys1220Phe; replaces cysteine 1220 with phenylalanine.
Molecular consequence: missense variant.
Genome position (GRCh38, 1-based): chr7:92,016,175, G>T. VCF-style: chr7-92016175-G-T. GRCh37 (hg19) VCF-style: chr7-91645489-G-T.
Other names: c.3659G>T, p.Cys1220Phe (NM_147185.3); short protein forms C1220F.
Identifiers: ClinVar variation 3282156 (VCV003282156.1).
Genomic context (GRCh38, chr7:92,016,175, plus strand): 5'-TTTGTTGTTAACAGACTTTATGCAGTGTCCTTGGTGAATATTATACTCCTGCTTTAAAAT[G>T]TGAAGTAAATGCAGAAGACAAAGAGAATTCTGGTGATTACATTTCTGAAAATGAAGATCC-3'
Protein context (NP_005742.4, residues 1210-1230): LGEYYTPALK[Cys1220Phe]EVNAEDKENS